The following is an entry in ClinVar:

ClinVar aggregate classification (germline): Benign/Likely benign. Review status: criteria provided, multiple submitters, no conflicts (2 of 4 stars). 20 submissions from 19 submitters: Benign (6); Likely benign (8). 6 of the submissions do not count toward it. Last evaluated 2026-08-01.

Conditions:
Hereditary cancer-predisposing syndrome. Also called: Neoplastic Syndromes, Hereditary; Hereditary neoplastic syndrome; Hereditary Cancer Syndrome; Tumor predisposition. Identifiers: Orphanet 140162, MedGen C0027672, MeSH D009386, MONDO:0015356.
Holoprosencephaly 7 (HPE7). Identifiers: Orphanet 2162, MedGen C1835820, MONDO:0012562, OMIM 610828.
Gorlin syndrome. Also called: Basal cell nevus syndrome; Nevoid Basal Cell Carcinoma Syndrome. Identifiers: Orphanet 377, MedGen C0004779, MONDO:0007187.
PTCH1-related disorder. Also called: PTCH1-related disorders; PTCH1-related condition.

Allele frequency attached by ClinVar (database versions not stated): ESP Exome Variant Server 0.00069; gnomAD exomes 0.00083 and 0.00091; 1000 Genomes Project 30x 0.00109; TOPMed 0.00089; gnomAD 0.00099 and 0.00098; 1000 Genomes Project 0.00120; ExAC 0.00086.
gnomAD v4.1: 1,420 of 1,614,158 alleles (0.088%); highest among the groups gnomAD compares: Middle Eastern, 1.5%; 7 homozygotes.

Submissions (20):

CeGaT Center for Human Genetics Tuebingen
Classification: Likely benign. Last evaluated: 2026-08-01. Review status: criteria provided, single submitter. Criteria: CeGaT Center For Human Genetics Tuebingen Variant Classification Criteria Version 2. Collection method: clinical testing. Allele origin: germline. Affected: yes. Observed: 31 variant alleles.
Comment: PTCH1: BS1

Labcorp Genetics (formerly Invitae), Labcorp
Classification: Benign for Gorlin syndrome. Last evaluated: 2026-02-03. Review status: criteria provided, single submitter. Criteria: Invitae Variant Classification Sherloc (09022015). Collection method: clinical testing. Allele origin: germline.

Quest Diagnostics Nichols Institute San Juan Capistrano
Classification: Benign. Last evaluated: 2025-09-03. Review status: criteria provided, single submitter. Criteria: Quest Diagnostics criteria. Collection method: clinical testing. Allele origin: unknown.

Center for Genomic Medicine, Rigshospitalet, Copenhagen University Hospital
Classification: Likely benign. Last evaluated: 2025-03-04. Review status: criteria provided, single submitter. Criteria: ACMG Guidelines, 2015. Collection method: clinical testing. Allele origin: germline.

Dasa
Classification: Benign. Last evaluated: 2024-12-09. Review status: criteria provided, single submitter. Criteria: DASA Assertion Criteria. Collection method: clinical testing. Allele origin: germline.
Comment: NM_000264.5(PTCH1):c.2173C>T (p.Pro725Ser) is a missense variant that results in the substitution of proline with serine. Population frequency is inconsistent with a disease-causing role for this variant, and observations in unaffected individuals support a benign interpretation. Therefore, based on the currently available evidence, this variant is classified as benign.

Blueprint Genetics
Classification: Likely benign. Last evaluated: 2024-11-01. Review status: criteria provided, single submitter. Criteria: ACMG Guidelines, 2015. Collection method: clinical testing. Allele origin: germline.

Women's Health and Genetics/Laboratory Corporation of America, LabCorp
Classification: Likely benign. Last evaluated: 2022-11-03. Review status: criteria provided, single submitter. Criteria: LabCorp Variant Classification Summary - May 2015. Collection method: clinical testing. Allele origin: germline.

Sema4
Classification: Likely benign for Hereditary cancer-predisposing syndrome. Last evaluated: 2022-02-11. Review status: criteria provided, single submitter. Criteria: Sema4 Curation Guidelines. Collection method: curation. Allele origin: germline.

Institute for Clinical Genetics, University Hospital TU Dresden, University Hospital TU Dresden
Classification: Likely benign. Last evaluated: 2021-11-03. Review status: criteria provided, single submitter. Criteria: ACMG Guidelines, 2015. Collection method: clinical testing. Allele origin: germline.

Ambry Genetics
Classification: Likely benign for Hereditary cancer-predisposing syndrome. Last evaluated: 2018-05-03. Review status: criteria provided, single submitter. Criteria: Ambry Variant Classification Scheme 2023. Collection method: clinical testing. Allele origin: germline.

Illumina Laboratory Services, Illumina
Classification: Benign for Holoprosencephaly 7. Last evaluated: 2017-04-27. Review status: criteria provided, single submitter. Criteria: ICSL Variant Classification Criteria 13 December 2019. Collection method: clinical testing. Allele origin: germline.
Comment: This variant was observed as part of a predisposition screen in an ostensibly healthy population. A literature search was performed for the gene, cDNA change, and amino acid change (where applicable). Publications were found based on this search. The evidence from the literature, in combination with allele frequency data from public databases where available, was sufficient to rule this variant out of causing disease. Therefore, this variant is classified as benign.

Illumina Laboratory Services, Illumina
Classification: Benign for Basal cell nevus syndrome 1. Last evaluated: 2017-04-27. Review status: criteria provided, single submitter. Criteria: ICSL Variant Classification Criteria 13 December 2019. Collection method: clinical testing. Allele origin: germline.
Comment: the same text as in the submission from Illumina Laboratory Services, Illumina above.

GeneDx
Classification: Benign. Last evaluated: 2015-09-18. Review status: criteria provided, single submitter. Criteria: GeneDx Variant Classification (06012015). Collection method: clinical testing. Allele origin: germline. Affected: yes.
Comment: This variant is considered likely benign or benign based on one or more of the following criteria: it is a conservative change, it occurs at a poorly conserved position in the protein, it is predicted to be benign by multiple in silico algorithms, and/or has population frequency not consistent with disease.

Breakthrough Genomics
Classification: Likely benign. Review status: criteria provided, single submitter. Criteria: ACMG Guidelines, 2015. Collection method: not provided. Allele origin: germline. Inheritance: Autosomal dominant inheritance. Affected: yes.

PreventionGenetics, part of Exact Sciences
Classification: Likely benign for PTCH1-related condition. Last evaluated: 2020-09-24. Review status: no assertion criteria provided. Collection method: clinical testing. Allele origin: germline. Not counted in ClinVar's aggregate classification.
Comment: This variant is classified as likely benign based on ACMG/AMP sequence variant interpretation guidelines (Richards et al. 2015 PMID: 25741868, with internal and published modifications).

ITMI
No classification provided. Condition: AllHighlyPenetrant. Last evaluated: 2013-09-19. Review status: no classification provided. Collection method: reference population. Allele origin: germline. Not counted in ClinVar's aggregate classification.
Comment: Please see associated publication for description of ethnicities

Biesecker Lab/Clinical Genomics Section, National Institutes of Health
Classification: Uncertain significance. Last evaluated: 2012-07-13. Review status: no assertion criteria provided. Collection method: research. Allele origin: germline. Affected: no. Observed: 1 variant allele. Study: ClinSeq. Not counted in ClinVar's aggregate classification.
ClinVar note: Converted during submission from variant of unknown significance to Uncertain significance.

Clinical Genetics DNA and cytogenetics Diagnostics Lab, Erasmus MC, Erasmus Medical Center
Classification: Likely benign. Review status: no assertion criteria provided. Collection method: clinical testing. Allele origin: germline. Affected: yes. Study: VKGL Data-share Consensus. Not counted in ClinVar's aggregate classification.

Genome Diagnostics Laboratory, Amsterdam University Medical Center
Classification: Likely benign. Review status: no assertion criteria provided. Collection method: clinical testing. Allele origin: germline. Affected: yes. Study: VKGL Data-share Consensus. Not counted in ClinVar's aggregate classification.

Laboratory of Diagnostic Genome Analysis, Leiden University Medical Center (LUMC)
Classification: Likely benign. Review status: no assertion criteria provided. Collection method: clinical testing. Allele origin: germline. Affected: yes. Study: VKGL Data-share Consensus. Not counted in ClinVar's aggregate classification.

Literature cited by the submitters: PubMed 28733979 (cited by Sema4); PubMed 20485063 (cited by 3 submitters); PubMed 33209614 (cited by Sema4); PubMed 28627087 (cited by Sema4); PubMed 29575684 (cited by Ambry Genetics); PubMed 24728327 (cited by Illumina Laboratory Services, Illumina and ITMI).

NM_000264.5(PTCH1):c.2173C>T (p.Pro725Ser)

Genes: PTCH1 (patched 1; minus strand), LOC100507346 (uncharacterized LOC100507346; plus strand). Cytogenetic location: 9q22.32.
Variant type: single nucleotide variant.
Coding change: c.2173C>T on transcript NM_000264.5 (MANE Select); coding-DNA position 2173, C replaced by T.
Protein change: p.Pro725Ser; replaces proline 725 with serine.
Molecular consequence: missense variant. On other transcripts: non-coding transcript variant (2).
Genome position (GRCh38, 1-based): chr9:95,468,828, G>A on the plus strand (C>T on the coding strand, the complement: PTCH1 is on the minus strand). VCF-style: chr9-95468828-G-A. GRCh37 (hg19) VCF-style: chr9-98231110-G-A.
Other names: c.1975C>T, p.Pro659Ser (NM_001083602.3); c.2170C>T, p.Pro724Ser (NM_001083603.3); c.1720C>T, p.Pro574Ser (NM_001083604.3, NM_001083605.3, NM_001083606.3 and 1 more transcripts); c.2017C>T, p.Pro673Ser (NM_001354918.2); short protein forms P659S, P725S, P673S, P574S, P724S.
Identifiers: ClinVar variation 41654 (VCV000041654.66), dbSNP rs149258400, ClinGen allele CA161661.